The following is an entry in ClinVar:

ClinVar aggregate classification (germline): Uncertain significance (1 of 4 stars; one submission).

Conditions:
CHD7-related CHARGE syndrome. Identifiers: MedGen CN380413, MONDO:1010178, OMIM 214800.

gnomAD v4.1: 35 of 1,516,622 alleles (0.0023%); highest among the groups gnomAD compares: East Asian, 0.054%; no homozygotes.

Submission:

Human Genetics Bochum, Ruhr University Bochum
Classification: Uncertain significance for CHD7-related CHARGE syndrome. Last evaluated: 2024-05-28. Review status: criteria provided, single submitter. Criteria: ACMG Guidelines, 2015. Collection method: clinical testing. Allele origin: germline. Affected: yes.
Comment: ACMG criteria used to clasify this variant: PS2, PM2_SUP

NM_017780.4(CHD7):c.6745G>A (p.Asp2249Asn)

Gene: CHD7 (chromodomain helicase DNA binding protein 7; plus strand). Cytogenetic location: 8q12.2.
Variant type: single nucleotide variant.
Coding change: c.6745G>A on transcript NM_017780.4 (MANE Select); coding-DNA position 6745, G replaced by A.
Protein change: p.Asp2249Asn; replaces aspartic acid 2249 with asparagine.
Molecular consequence: missense variant. On other transcripts: intron variant (1).
Genome position (GRCh38, 1-based): chr8:60,853,470, G>A. VCF-style: chr8-60853470-G-A. GRCh37 (hg19) VCF-style: chr8-61766029-G-A.
Other names: c.1717-8759G>A (NM_001316690.1); short protein forms D2249N.
Identifiers: ClinVar variation 4687937 (VCV004687937.1), dbSNP rs766498514.